The following is an entry in ClinVar:

ClinVar aggregate classification (germline): Uncertain significance (1 of 4 stars; one submission).

Conditions:
Hereditary cancer-predisposing syndrome. Also called: Neoplastic Syndromes, Hereditary; Tumor predisposition; Hereditary Cancer Syndrome; Hereditary neoplastic syndrome. Identifiers: Orphanet 140162, MedGen C0027672, MeSH D009386, MONDO:0015356.

Submission:

Ambry Genetics
Classification: Uncertain significance for Hereditary cancer-predisposing syndrome. Last evaluated: 2017-10-09. Review status: criteria provided, single submitter. Criteria: Ambry Variant Classification Scheme 2023. Collection method: clinical testing. Allele origin: germline.
Comment: The c.892_903dup12 variant (also known as p.F298_R301dup), located in coding exon 7 of the STK11 gene, results from an in-frame duplication of 12 nucleotides at nucleotide positions 892 to 903. This results in the duplication of 4 extra residues (FSIR) between codons 298 and 301. This amino acid region is generally well conserved in available vertebrate species. Since supporting evidence is limited at this time, the clinical significance of this alteration remains unclear.

NM_000455.5(STK11):c.892_903dup (p.Arg301_Gln302insPheSerIleArg)

Gene: STK11 (serine/threonine kinase 11; plus strand). Cytogenetic location: 19p13.3.
Variant type: Duplication.
Coding change: c.892_903dup on transcript NM_000455.5 (MANE Select); coding-DNA positions 892 to 903, 12 bases duplicated (TTCTCCATCCGG).
Protein change: p.Arg301_Gln302insPheSerIleArg.
Molecular consequence: inframe insertion. On other transcripts: inframe indel (2).
Genome position (GRCh38, 1-based): chr19:1,221,978-1,221,989, TTCTCCATCCGG duplicated; duplicating any 12 consecutive bases within chr19:1,221,976-1,221,989 gives the same sequence; the c. name uses the placement nearest the transcript's 3' end. VCF-style (leftmost placement, unchanged base first): chr19-1221975-A-AGGTTCTCCATCC. GRCh37 (hg19) VCF-style: chr19-1221974-A-AGGTTCTCCATCC.
Other names: c.892_903dupTTCTCCATCCGG (NM_000455.4); c.892_903dup, p.Arg301_Gln302insPheSerIleArg (NM_001407255.1).
Identifiers: ClinVar variation 1765130 (VCV001765130.2), dbSNP rs2512946630, ClinGen allele CA2580096128.